The following is an entry in ClinVar:

ClinVar aggregate classification (germline): Likely pathogenic. Review status: criteria provided, single submitter (1 of 4 stars). 3 submissions from 3 submitters: Likely pathogenic (1). 2 of the submissions do not count toward it. Last evaluated 2019-07-28.

Conditions:
ACTL6B-related recessive epilepsy.
Developmental and epileptic encephalopathy, 76. Also called: EPILEPTIC ENCEPHALOPATHY, EARLY INFANTILE, 76; DEVELOPMENTAL DELAY, EPILEPTIC ENCEPHALOPATHY, CEREBRAL ATROPHY, AND ABNORMAL MYELINATION. Identifiers: MedGen C5193113, MONDO:0032768, OMIM 618468.

Submissions (3):

SIB Swiss Institute of Bioinformatics
Classification: Likely pathogenic for Developmental and epileptic encephalopathy, 76. Last evaluated: 2019-07-28. Review status: criteria provided, single submitter. Criteria: ACMG Guidelines, 2015. Collection method: curation. Allele origin: unknown.
Comment: This variant is interpreted as a Likely pathogenic for Epileptic encephalopathy, early infantile, 76, autosomal recessive. The following ACMG Tag(s) were applied: PM2, PP3, PS3-Moderate, PM3.

OMIM
Classification: Pathogenic for EPILEPTIC ENCEPHALOPATHY, EARLY INFANTILE, 76. Last evaluated: 2020-11-25. Review status: no assertion criteria provided. Collection method: literature only. Allele origin: germline. Not counted in ClinVar's aggregate classification.

CHU Sainte-Justine Research Center, University of Montreal
Classification: Likely pathogenic for ACTL6B-related recessive epilepsy. Last evaluated: 2019-03-01. Review status: no assertion criteria provided. Collection method: research. Allele origin: germline. Affected: yes. Not counted in ClinVar's aggregate classification.

Literature cited by the submitters: PubMed 31031012 (cited by SIB Swiss Institute of Bioinformatics and OMIM).

NM_016188.5(ACTL6B):c.617T>C (p.Leu206Pro)

Gene: ACTL6B (actin like 6B; minus strand). Cytogenetic location: 7q22.1.
Variant type: single nucleotide variant.
Coding change: c.617T>C on transcript NM_016188.5 (MANE Select); coding-DNA position 617, T replaced by C.
Protein change: p.Leu206Pro; replaces leucine 206 with proline.
Molecular consequence: missense variant. On other transcripts: non-coding transcript variant (1).
Genome position (GRCh38, 1-based): chr7:100,648,608, A>G on the plus strand (T>C on the coding strand, the complement: ACTL6B is on the minus strand). VCF-style: chr7-100648608-A-G. GRCh37 (hg19) VCF-style: chr7-100246231-A-G.
Other names: short protein forms L206P.
Identifiers: ClinVar variation 635105 (VCV000635105.5), dbSNP rs1562848909, ClinGen allele CA368545171.